The following is an entry in ClinVar:

NM_005006.7(NDUFS1):c.1651G>T (p.Asp551Tyr)

Gene: NDUFS1 (NADH:ubiquinone oxidoreductase core subunit S1; minus strand). Cytogenetic location: 2q33.3.
Variant type: single nucleotide variant.
Coding change: c.1651G>T on transcript NM_005006.7 (MANE Select); coding-DNA position 1651, G replaced by T.
Protein change: p.Asp551Tyr; replaces aspartic acid 551 with tyrosine.
Molecular consequence: missense variant.
Genome position (GRCh38, 1-based): chr2:206,130,145, C>A on the plus strand (G>T on the coding strand, the complement: NDUFS1 is on the minus strand). VCF-style: chr2-206130145-C-A. GRCh37 (hg19) VCF-style: chr2-206994869-C-A.
Other names: c.1543G>T, p.Asp515Tyr (NM_001199981.2); c.1318G>T, p.Asp440Tyr (NM_001199982.2); c.1480G>T, p.Asp494Tyr (NM_001199983.2); c.1693G>T, p.Asp565Tyr (NM_001199984.2); short protein forms D440Y, D494Y, D515Y, D551Y, D565Y.
Identifiers: ClinVar variation 2671664 (VCV002671664.1), dbSNP rs2470007395, ClinGen allele CA350045618.

ClinVar aggregate classification (germline): Uncertain significance (1 of 4 stars; one submission).

Conditions:
Mitochondrial complex I deficiency, nuclear type 5. Also called: Mitochondrial complex 1 deficiency, nuclear type 5. Identifiers: MedGen C4748754, MONDO:0032610, OMIM 618226.

Submission:

Neuberg Centre For Genomic Medicine, NCGM
Classification: Uncertain significance for Mitochondrial complex I deficiency, nuclear type 5. Last evaluated: 2023-03-01. Review status: criteria provided, single submitter. Criteria: ACMG Guidelines, 2015. Collection method: clinical testing. Allele origin: germline. Inheritance: Autosomal recessive inheritance. Affected: yes.
Comment: The missense c.1651G>T(p.Asp551Tyr) variant in NDUFS1 gene has not been reported previously as a pathogenic variant nor a benign variant, to our knowledge. The p.Asp551Tyr variant is novel (not in any individuals) in gnomAD Exomes and 1000 Genomes. This variant has not been reported to the ClinVar database. The amino acid change p.Asp551Tyr in NDUFS1 is predicted as conserved by GERP++ and PhyloP across 100 vertebrates. The amino acid Asp at position 551 is changed to a Tyr changing protein sequence and it might alter its composition and physico-chemical properties. For these reasons, this variant has been classified as a Variant of Uncertain Significance (VUS).